The following is an entry in ClinVar:

NM_032383.5(HPS3):c.1163+3A>G

Gene: HPS3 (HPS3 biogenesis of lysosomal organelles complex 2 subunit 1; plus strand). Cytogenetic location: 3q24.
Variant type: single nucleotide variant.
Coding change: c.1163+3A>G on transcript NM_032383.5 (MANE Select); 3 bases into the intron after coding-DNA position 1163, A replaced by G.
Molecular consequence: intron variant.
Genome position (GRCh38, 1-based): chr3:149,145,549, A>G. VCF-style: chr3-149145549-A-G. GRCh37 (hg19) VCF-style: chr3-148863336-A-G.
Other names: c.668+3A>G (NM_001308258.2).
Identifiers: ClinVar variation 1438133 (VCV001438133.4), dbSNP rs776056267, ClinGen allele CA2660010.
Genomic context (GRCh38, chr3:149,145,549, plus strand): 5'-ATCCTGAAAAGTCTCAGCAGGCAGTACTCACGCCACAATTTTTGCACGTCATTACAAGGT[A>G]CTGTTAGAGGGTCACTTGCTGGCCTGTGAGTCACTTATTTGTAAATTTTTGAGGTACTTC-3'

ClinVar aggregate classification (germline): Uncertain significance. Review status: criteria provided, multiple submitters, no conflicts (2 of 4 stars). 2 submissions from 2 submitters: Uncertain significance (2). Last evaluated 2021-08-13.

Allele frequency attached by ClinVar (database versions not stated): TOPMed below 0.00001; ExAC 0.00002; gnomAD 0.00002; gnomAD exomes 0.00002.
gnomAD v4.1: 15 of 1,612,444 alleles (0.00093%); highest among the groups gnomAD compares: South Asian, 0.013%; 1 homozygote.

Submissions (2):

Labcorp Genetics (formerly Invitae), Labcorp
Classification: Uncertain significance. Last evaluated: 2021-08-13. Review status: criteria provided, single submitter. Criteria: Invitae Variant Classification Sherloc (09022015). Collection method: clinical testing. Allele origin: germline.
Comment: This sequence change falls in intron 5 of the HPS3 gene. It does not directly change the encoded amino acid sequence of the HPS3 protein. It affects a nucleotide within the consensus splice site of the intron. This variant is present in population databases (rs776056267, ExAC 0.02%). This variant has not been reported in the literature in individuals affected with HPS3-related conditions. Variants that disrupt the consensus splice site are a relatively common cause of aberrant splicing (PMID: 17576681, 9536098). Algorithms developed to predict the effect of sequence changes on RNA splicing suggest that this variant may disrupt the consensus splice site. In summary, the available evidence is currently insufficient to determine the role of this variant in disease. Therefore, it has been classified as a Variant of Uncertain Significance.

Blueprint Genetics
Classification: Uncertain significance. Last evaluated: 2021-04-20. Review status: criteria provided, single submitter. Criteria: ACMG Guidelines, 2015. Collection method: clinical testing. Allele origin: germline.

Literature cited by the submitters: PubMed 17576681 (cited by Labcorp Genetics (formerly Invitae), Labcorp); PubMed 9536098 (cited by Labcorp Genetics (formerly Invitae), Labcorp).